The following is an entry in ClinVar:

ClinVar aggregate classification (germline): Likely pathogenic (1 of 4 stars; one submission).

Conditions:
Hypertrophic cardiomyopathy 7. Also called: TNNI3-Related Familial Hypertrophic Cardiomyopathy; Familial hypertrophic cardiomyopathy 7; CARDIOMYOPATHY, FAMILIAL HYPERTROPHIC, 7, MODIFIER OF. Identifiers: MedGen C1860752, MONDO:0013369, OMIM 613690.

Submission:

3billion
Classification: Likely pathogenic for Hypertrophic cardiomyopathy 7. Last evaluated: 2023-12-22. Review status: criteria provided, single submitter. Criteria: ACMG Guidelines, 2015. Collection method: clinical testing. Allele origin: germline. Affected: yes.
Comment: The variant is not observed in the gnomAD v2.1.1 dataset. Predicted Consequence/Location: Canonical splice site: predicted to alter splicing and result in a loss or disruption of normal protein function. Multiple pathogenic loss-of-function variants are reported downstream of the variant. In silico tools predict the variant to alter splicing and produce an abnormal transcript [Splice AI: 0.99 (spliceogenicity >=0.2, non-spliceogenicity <0.1)]. Therefore, this variant is classified as Likely pathogenic according to the recommendation of ACMG/AMP guideline.

NM_000363.5(TNNI3):c.151-1G>A

Gene: TNNI3 (troponin I3, cardiac type; minus strand). Cytogenetic location: 19q13.42.
Variant type: single nucleotide variant.
Coding change: c.151-1G>A on transcript NM_000363.5 (MANE Select); the canonical splice acceptor site of the intron before coding-DNA position 151, G replaced by A.
Molecular consequence: splice acceptor variant.
Genome position (GRCh38, 1-based): chr19:55,156,333, C>T on the plus strand (G>A on the coding strand, the complement: TNNI3 is on the minus strand). VCF-style: chr19-55156333-C-T. GRCh37 (hg19) VCF-style: chr19-55667701-C-T.
Identifiers: ClinVar variation 3775766 (VCV003775766.1).